The following is an entry in ClinVar:

NM_001369.3(DNAH5):c.6083G>A (p.Trp2028Ter)

Gene: DNAH5 (dynein axonemal heavy chain 5; minus strand). Cytogenetic location: 5p15.2.
Variant type: single nucleotide variant.
Coding change: c.6083G>A on transcript NM_001369.3 (MANE Select); coding-DNA position 6083, G replaced by A.
Protein change: p.Trp2028Ter; replaces tryptophan 2028 with a stop codon.
Molecular consequence: nonsense.
Genome position (GRCh38, 1-based): chr5:13,830,192, C>T on the plus strand (G>A on the coding strand, the complement: DNAH5 is on the minus strand). VCF-style: chr5-13830192-C-T. GRCh37 (hg19) VCF-style: chr5-13830301-C-T.
Other names: short protein forms W2028*.
Identifiers: ClinVar variation 1724802 (VCV001724802.5), dbSNP rs2546879148, ClinGen allele CA359201765.

ClinVar aggregate classification (germline): Pathogenic/Likely pathogenic. Review status: criteria provided, multiple submitters, no conflicts (2 of 4 stars). 3 submissions from 3 submitters: Pathogenic (1); Likely pathogenic (2). Last evaluated 2024-07-03.

Conditions:
Primary ciliary dyskinesia. Also called: Ciliary dyskinesia. Identifiers: Orphanet 244, MedGen C0008780, MONDO:0016575, HP:0012265.
Primary ciliary dyskinesia 3. Identifiers: Orphanet 244, MedGen C1837618, MONDO:0012085, OMIM 608644.

Submissions (3):

Labcorp Genetics (formerly Invitae), Labcorp
Classification: Pathogenic for Primary ciliary dyskinesia. Last evaluated: 2024-07-03. Review status: criteria provided, single submitter. Criteria: Invitae Variant Classification Sherloc (09022015). Collection method: clinical testing. Allele origin: germline.
Comment: This sequence change creates a premature translational stop signal (p.Trp2028*) in the DNAH5 gene. It is expected to result in an absent or disrupted protein product. Loss-of-function variants in DNAH5 are known to be pathogenic (PMID: 11788826, 16627867). This variant is not present in population databases (gnomAD no frequency). This variant has not been reported in the literature in individuals affected with DNAH5-related conditions. ClinVar contains an entry for this variant (Variation ID: 1724802). Algorithms developed to predict the effect of sequence changes on RNA splicing suggest that this variant may disrupt the consensus splice site. For these reasons, this variant has been classified as Pathogenic.

Fulgent Genetics
Classification: Likely pathogenic for Primary ciliary dyskinesia 3. Last evaluated: 2024-02-17. Review status: criteria provided, single submitter. Criteria: ACMG Guidelines, 2015. Collection method: clinical testing. Allele origin: germline.

Myriad Genetics, Inc.
Classification: Likely pathogenic for Primary ciliary dyskinesia 3. Last evaluated: 2021-11-20. Review status: criteria provided, single submitter. Criteria: Myriad Women's Health Autosomal Recessive and X-Linked Classification Criteria (2021). Collection method: clinical testing. Allele origin: unknown.
Comment: NM_001369.2(DNAH5):c.6083G>A(W2028*) is expected to be pathogenic in the context of DNAH5-related primary ciliary dyskinesia. This variant is predicted to lead to an abnormal or absent protein product due to the creation of a premature termination codon in DNAH5, a gene where loss-of-function variants are known to be pathogenic. Please note: this variant was assessed in the context of healthy population screening.

Literature cited by the submitters: PubMed 11788826 (cited by Labcorp Genetics (formerly Invitae), Labcorp); PubMed 16627867 (cited by Labcorp Genetics (formerly Invitae), Labcorp).